The following is an entry in ClinVar:

ClinVar aggregate classification (germline): Uncertain significance (1 of 4 stars; one submission).

Submission:

Labcorp Genetics (formerly Invitae), Labcorp
Classification: Uncertain significance. Last evaluated: 2023-04-20. Review status: criteria provided, single submitter. Criteria: Invitae Variant Classification Sherloc (09022015). Collection method: clinical testing. Allele origin: germline.
Comment: In summary, the available evidence is currently insufficient to determine the role of this variant in disease. Therefore, it has been classified as a Variant of Uncertain Significance. An algorithm developed to predict the effect of missense changes on protein structure and function (PolyPhen-2) suggests that this variant is likely to be tolerated. This variant has not been reported in the literature in individuals affected with NEXMIF-related conditions. This variant is not present in population databases (gnomAD no frequency). This sequence change replaces alanine, which is neutral and non-polar, with serine, which is neutral and polar, at codon 625 of the NEXMIF protein (p.Ala625Ser).

NM_001008537.3(NEXMIF):c.1873G>T (p.Ala625Ser)

Gene: NEXMIF (neurite extension and migration factor; minus strand). Cytogenetic location: Xq13.3.
Variant type: single nucleotide variant.
Coding change: c.1873G>T on transcript NM_001008537.3 (MANE Select); coding-DNA position 1873, G replaced by T.
Protein change: p.Ala625Ser; replaces alanine 625 with serine.
Molecular consequence: missense variant.
Genome position (GRCh38, 1-based): chrX:74,742,684, C>A on the plus strand (G>T on the coding strand, the complement: NEXMIF is on the minus strand). VCF-style: chrX-74742684-C-A. GRCh37 (hg19) VCF-style: chrX-73962519-C-A.
Other names: short protein forms A625S.
Identifiers: ClinVar variation 2853871 (VCV002853871.3), dbSNP rs2080110787, ClinGen allele CA413669495.